The following is an entry in ClinVar:

ClinVar aggregate classification (germline): Likely pathogenic (1 of 4 stars; one submission).

Allele frequency attached by ClinVar (database versions not stated): ExAC 0.00001; TOPMed 0.00001.
gnomAD v4.1: 1 of 1,613,952 alleles (0.000062%); no homozygotes.

Submission:

Labcorp Genetics (formerly Invitae), Labcorp
Classification: Likely pathogenic. Last evaluated: 2024-02-14. Review status: criteria provided, single submitter. Criteria: Invitae Variant Classification Sherloc (09022015). Collection method: clinical testing. Allele origin: germline.
Comment: This sequence change affects an acceptor splice site in intron 16 of the ADAMTSL4 gene. It is expected to disrupt RNA splicing. Variants that disrupt the donor or acceptor splice site typically lead to a loss of protein function (PMID: 16199547), and loss-of-function variants in ADAMTSL4 are known to be pathogenic (PMID: 20564469, 28642162). This variant is present in population databases (rs776909261, gnomAD 0.0009%). Disruption of this splice site has been observed in individual(s) with ectopia lentis (PMID: 35754085). This variant is also known as c.2833-1G>A. Algorithms developed to predict the effect of sequence changes on RNA splicing suggest that this variant may disrupt the consensus splice site. In summary, the currently available evidence indicates that the variant is pathogenic, but additional data are needed to prove that conclusively. Therefore, this variant has been classified as Likely Pathogenic.

Literature cited by the submitters: PubMed 16199547; PubMed 20564469; PubMed 28642162; PubMed 35754085.

NM_019032.6(ADAMTSL4):c.2764-1G>A

Gene: ADAMTSL4 (ADAMTS like 4; plus strand). Cytogenetic location: 1q21.2.
Variant type: single nucleotide variant.
Coding change: c.2764-1G>A on transcript NM_019032.6 (MANE Select); the canonical splice acceptor site of the intron before coding-DNA position 2764, G replaced by A.
Molecular consequence: splice acceptor variant.
Genome position (GRCh38, 1-based): chr1:150,559,286, G>A. VCF-style: chr1-150559286-G-A. GRCh37 (hg19) VCF-style: chr1-150531762-G-A.
Other names: c.2833-1G>A (NM_001288608.2); c.2647-1G>A (NM_001288607.2); c.2764-1G>A (NM_001378596.1).
Identifiers: ClinVar variation 2971230 (VCV002971230.3), dbSNP rs776909261, ClinGen allele CA1078844.
Genomic context (GRCh38, chr1:150,559,286, plus strand): 5'-GGCACTTGGGGTGCTCTCTGTCCTCCCCTCCCCTCATCACCCTGCCCTCCCCCTACACTA[G>A]TGCTCCTCCGAATGTGGCTCTGGCACACAGCGTAGAGACATCATCTGTGTATCCAAACTG-3'